The following is an entry in ClinVar:

NM_014679.5(CEP57):c.347A>G (p.Glu116Gly)

Gene: CEP57 (centrosomal protein 57; plus strand). Cytogenetic location: 11q21.
Variant type: single nucleotide variant.
Coding change: c.347A>G on transcript NM_014679.5 (MANE Select); coding-DNA position 347, A replaced by G.
Protein change: p.Glu116Gly; replaces glutamic acid 116 with glycine.
Molecular consequence: missense variant.
Genome position (GRCh38, 1-based): chr11:95,813,076, A>G. VCF-style: chr11-95813076-A-G. GRCh37 (hg19) VCF-style: chr11-95546240-A-G.
Other names: c.320A>G, p.Glu107Gly (NM_001243776.2); c.347A>G, p.Glu116Gly (NM_001243777.2); c.266A>G, p.Glu89Gly (NM_001363604.2); short protein forms E116G, E89G, E107G.
Identifiers: ClinVar variation 1425886 (VCV001425886.6), dbSNP rs2135318947, ClinGen allele CA382420938.

ClinVar aggregate classification (germline): Uncertain significance (1 of 4 stars; one submission).

Conditions:
Mosaic variegated aneuploidy syndrome 2 (MVA2). Identifiers: Orphanet 1052, MedGen C3279843, MONDO:0013582, OMIM 614114.

Submission:

Labcorp Genetics (formerly Invitae), Labcorp
Classification: Uncertain significance for Mosaic variegated aneuploidy syndrome 2. Last evaluated: 2021-11-13. Review status: criteria provided, single submitter. Criteria: Invitae Variant Classification Sherloc (09022015). Collection method: clinical testing. Allele origin: germline.
Comment: In summary, the available evidence is currently insufficient to determine the role of this variant in disease. Therefore, it has been classified as a Variant of Uncertain Significance. Algorithms developed to predict the effect of missense changes on protein structure and function are either unavailable or do not agree on the potential impact of this missense change (SIFT: "Deleterious"; PolyPhen-2: "Probably Damaging"; Align-GVGD: "Class C0"). This variant has not been reported in the literature in individuals affected with CEP57-related conditions. This variant is not present in population databases (gnomAD no frequency). This sequence change replaces glutamic acid, which is acidic and polar, with glycine, which is neutral and non-polar, at codon 116 of the CEP57 protein (p.Glu116Gly).